The following is an entry in ClinVar:

ClinVar aggregate classification (germline): Uncertain significance. Review status: criteria provided, multiple submitters, no conflicts (2 of 4 stars). 2 submissions from 2 submitters: Uncertain significance (2). Last evaluated 2024-04-10.

Conditions:
Charcot-Marie-Tooth disease dominant intermediate E. Also called: CHARCOT-MARIE-TOOTH NEUROPATHY WITH FOCAL SEGMENTAL GLOMERULONEPHRITIS. Identifiers: Orphanet 93114, MedGen C4302667, MONDO:0013758, OMIM 614455.
Focal segmental glomerulosclerosis 5 (FSGS5). Identifiers: Orphanet 656, MedGen C2750475, MONDO:0013191, OMIM 613237.

Allele frequency attached by ClinVar (database versions not stated): gnomAD 0.00001; gnomAD exomes 0.00001; TOPMed 0.00001.

Submissions (2):

Fulgent Genetics
Classification: Uncertain significance for Focal segmental glomerulosclerosis 5; Charcot-Marie-Tooth disease dominant intermediate E. Last evaluated: 2024-04-10. Review status: criteria provided, single submitter. Criteria: ACMG Guidelines, 2015. Collection method: clinical testing. Allele origin: germline.

Labcorp Genetics (formerly Invitae), Labcorp
Classification: Uncertain significance for Charcot-Marie-Tooth disease dominant intermediate E; Focal segmental glomerulosclerosis 5. Last evaluated: 2023-03-27. Review status: criteria provided, single submitter. Criteria: Invitae Variant Classification Sherloc (09022015). Collection method: clinical testing. Allele origin: germline.
Comment: In summary, the available evidence is currently insufficient to determine the role of this variant in disease. Therefore, it has been classified as a Variant of Uncertain Significance. Advanced modeling of protein sequence and biophysical properties (such as structural, functional, and spatial information, amino acid conservation, physicochemical variation, residue mobility, and thermodynamic stability) performed at Invitae indicates that this missense variant is expected to disrupt INF2 protein function. This variant has not been reported in the literature in individuals affected with INF2-related conditions. This variant is present in population databases (no rsID available, gnomAD 0.007%). This sequence change replaces alanine, which is neutral and non-polar, with valine, which is neutral and non-polar, at codon 149 of the INF2 protein (p.Ala149Val).

NM_022489.4(INF2):c.446C>T (p.Ala149Val)

Gene: INF2 (inverted formin 2; plus strand). Cytogenetic location: 14q32.33.
Variant type: single nucleotide variant.
Coding change: c.446C>T on transcript NM_022489.4 (MANE Select); coding-DNA position 446, C replaced by T.
Protein change: p.Ala149Val; replaces alanine 149 with valine.
Molecular consequence: missense variant.
Genome position (GRCh38, 1-based): chr14:104,703,159, C>T. VCF-style: chr14-104703159-C-T. GRCh37 (hg19) VCF-style: chr14-105169496-C-T.
Other names: c.446C>T, p.Ala149Val (NM_001031714.4, NM_001426862.1, NM_001426863.1 and 6 more transcripts); short protein forms A149V.
Identifiers: ClinVar variation 2940175 (VCV002940175.4), dbSNP rs753852177, ClinGen allele CA267318545.